The following is an entry in ClinVar:

ClinVar aggregate classification (germline): Likely pathogenic. Review status: criteria provided, single submitter (1 of 4 stars). 2 submissions from 2 submitters: Likely pathogenic (1). 1 of the submissions does not count toward it. Last evaluated 2025-07-21.

Conditions:
Farber lipogranulomatosis (FRBRL). Also called: Farber's lipogranulomatosis; Farber's disease; Farber disease; AC DEFICIENCY; ACID CERAMIDASE DEFICIENCY; CERAMIDASE DEFICIENCY. Identifiers: Orphanet 333, MedGen C0268255, MONDO:0009218, OMIM 228000.

Submissions (2):

Labcorp Genetics (formerly Invitae), Labcorp
Classification: Likely pathogenic. Last evaluated: 2025-07-21. Review status: criteria provided, single submitter. Criteria: Invitae Variant Classification Sherloc (09022015). Collection method: clinical testing. Allele origin: germline.
Comment: This sequence change affects an acceptor splice site in intron 12 of the ASAH1 gene. It is expected to disrupt RNA splicing. Variants that disrupt the donor or acceptor splice site typically lead to a loss of protein function (PMID: 16199547), and loss-of-function variants in ASAH1 are known to be pathogenic (PMID: 24164096, 24355074). This variant is not present in population databases (gnomAD no frequency). This variant has not been reported in the literature in individuals affected with ASAH1-related conditions. ClinVar contains an entry for this variant (Variation ID: 2826778). Algorithms developed to predict the effect of sequence changes on RNA splicing suggest that this variant may disrupt the consensus splice site. In summary, the currently available evidence indicates that the variant is pathogenic, but additional data are needed to prove that conclusively. Therefore, this variant has been classified as Likely Pathogenic.

Genetics laboratory, Institute of Kidney Diseases & Research Centre Dr. H.L. Trivedi Institute Of Transplantation Sciences
Classification: Likely pathogenic for Farber lipogranulomatosis. Review status: no assertion criteria provided. Collection method: clinical testing. Allele origin: germline. Inheritance: Autosomal recessive inheritance. Affected: yes. Observed: 1 variant allele, 1 heterozygote. Not counted in ClinVar's aggregate classification.
Comment: The c.1042-2A>C variant is novel in gnomAD exomes and is novel in 1000 genomes. This variant mutates a splice-acceptor sequence, potentially resulting in exon skipping and the production of abnormal proteins. In silico tools predict the splice site to be disrupted and the site is conserved across species. For this reasons, this variant has been classified as Likely Pathogenic.

Literature cited by the submitters: PubMed 16199547 (cited by Labcorp Genetics (formerly Invitae), Labcorp); PubMed 24164096 (cited by Labcorp Genetics (formerly Invitae), Labcorp); PubMed 24355074 (cited by Labcorp Genetics (formerly Invitae), Labcorp).

NM_177924.5(ASAH1):c.1042-2A>C

Gene: ASAH1 (N-acylsphingosine amidohydrolase 1; minus strand). Cytogenetic location: 8p22.
Variant type: single nucleotide variant.
Coding change: c.1042-2A>C on transcript NM_177924.5 (MANE Select); the canonical splice acceptor site of the intron before coding-DNA position 1042, A replaced by C.
Molecular consequence: splice acceptor variant.
Genome position (GRCh38, 1-based): chr8:18,058,893, T>G on the plus strand (A>C on the coding strand, the complement: ASAH1 is on the minus strand). VCF-style: chr8-18058893-T-G. GRCh37 (hg19) VCF-style: chr8-17916402-T-G.
Other names: c.1090-2A>C (NM_004315.6); c.1024-2A>C (NM_001127505.3); c.1042-2A>C (NM_177924.4); c.847-2A>C (NM_001363743.2).
Identifiers: ClinVar variation 2826778 (VCV002826778.5), dbSNP rs2537913471, ClinGen allele CA370427166.